The following is an entry in ClinVar:

ClinVar aggregate classification (germline): Likely benign. Review status: criteria provided, single submitter (1 of 4 stars). 2 submissions from 2 submitters: Likely benign (1). 1 of the submissions does not count toward it. Last evaluated 2025-03-17.

Conditions:
Dilated cardiomyopathy 1G (CMD1G). Identifiers: Orphanet 154, MedGen C1858763, MONDO:0011400, OMIM 604145.
Autosomal recessive limb-girdle muscular dystrophy type 2J (LGMDR10). Also called: Limb-girdle muscular dystrophy, type 2J; MUSCULAR DYSTROPHY, LIMB-GIRDLE, AUTOSOMAL RECESSIVE 10. Identifiers: Orphanet 140922, MedGen C1837342, MONDO:0012127, OMIM 608807.
TTN-related disorder. Also called: TTN-related disorders; TTN-related condition; TTN-related disease.

Allele frequency attached by ClinVar (database versions not stated): TOPMed 0.00001; ExAC 0.00002; gnomAD exomes 0.00002 and 0.00003.
gnomAD v4.1: 35 of 1,613,834 alleles (0.0022%); highest among the groups gnomAD compares: East Asian, 0.0067%; no homozygotes.

Submissions (2):

Labcorp Genetics (formerly Invitae), Labcorp
Classification: Likely benign for Dilated cardiomyopathy 1G; Autosomal recessive limb-girdle muscular dystrophy type 2J. Last evaluated: 2025-03-17. Review status: criteria provided, single submitter. Criteria: Invitae Variant Classification Sherloc (09022015). Collection method: clinical testing. Allele origin: germline.

PreventionGenetics, part of Exact Sciences
Classification: Likely benign for TTN-related condition. Last evaluated: 2019-11-18. Review status: no assertion criteria provided. Collection method: clinical testing. Allele origin: germline. Not counted in ClinVar's aggregate classification.
Comment: This variant is classified as likely benign based on ACMG/AMP sequence variant interpretation guidelines (Richards et al. 2015 PMID: 25741868, with internal and published modifications).

NM_001267550.2(TTN):c.11034A>G (p.Gln3678=)

Gene: TTN (titin; minus strand). Cytogenetic location: 2q31.2.
Variant type: single nucleotide variant.
Coding change: c.11034A>G on transcript NM_001267550.2 (MANE Select); coding-DNA position 11034, A replaced by G.
Protein change: p.Gln3678=; no amino-acid change (glutamine 3678 retained).
Molecular consequence: synonymous variant. On other transcripts: intron variant (5).
Genome position (GRCh38, 1-based): chr2:178,756,442, T>C on the plus strand (A>G on the coding strand, the complement: TTN is on the minus strand). VCF-style: chr2-178756442-T-C. GRCh37 (hg19) VCF-style: chr2-179621169-T-C.
Other names: c.10521A>G, p.Gln3507= (NM_133437.4); c.10165+2542A>G (NM_003319.4); c.10540+1100A>G (NM_133432.3); c.10303+2542A>G (NM_133378.4, NM_001256850.1, NM_133379.5).
Identifiers: ClinVar variation 723877 (VCV000723877.13), dbSNP rs753378142, ClinGen allele CA2004000.